The following is an entry in ClinVar:

NM_032119.4(ADGRV1):c.10126A>G (p.Ile3376Val)

Gene: ADGRV1 (adhesion G protein-coupled receptor V1; plus strand). Cytogenetic location: 5q14.3.
Variant type: single nucleotide variant.
Coding change: c.10126A>G on transcript NM_032119.4 (MANE Select); coding-DNA position 10126, A replaced by G.
Protein change: p.Ile3376Val; replaces isoleucine 3376 with valine.
Molecular consequence: missense variant. On other transcripts: non-coding transcript variant (1).
Genome position (GRCh38, 1-based): chr5:90,725,621, A>G. VCF-style: chr5-90725621-A-G. GRCh37 (hg19) VCF-style: chr5-90021438-A-G.
Other names: short protein forms I3376V.
Identifiers: ClinVar variation 197599 (VCV000197599.34), dbSNP rs200528472, ClinGen allele CA202968.

ClinVar aggregate classification (germline): Benign/Likely benign. Review status: criteria provided, multiple submitters, no conflicts (2 of 4 stars). 9 submissions from 9 submitters: Benign (4); Likely benign (4). 1 of the submissions does not count toward it. Last evaluated 2026-01-28.

Conditions:
ADGRV1-related disorder. Also called: ADGRV1-related condition; ADGRV1-related disorders.
Inborn genetic diseases. Identifiers: MedGen C0950123, MeSH D030342.

Allele frequency attached by ClinVar (database versions not stated): gnomAD exomes 0.00016 and 0.00046; ExAC 0.00049; 1000 Genomes Project 30x 0.00078; 1000 Genomes Project 0.00100; gnomAD 0.00173 and 0.00195; TOPMed 0.00191; ESP Exome Variant Server 0.00213.
gnomAD v4.1: 516 of 1,582,018 alleles (0.033%); highest among the groups gnomAD compares: African/African-American, 0.6%; 2 homozygotes.

Submissions (9):

Labcorp Genetics (formerly Invitae), Labcorp
Classification: Benign. Last evaluated: 2026-01-28. Review status: criteria provided, single submitter. Criteria: Invitae Variant Classification Sherloc (09022015). Collection method: clinical testing. Allele origin: germline.

CeGaT Center for Human Genetics Tuebingen
Classification: Likely benign. Last evaluated: 2025-05-01. Review status: criteria provided, single submitter. Criteria: CeGaT Center For Human Genetics Tuebingen Variant Classification Criteria Version 2. Collection method: clinical testing. Allele origin: germline. Affected: yes. Observed: 1 variant allele.
Comment: ADGRV1: BP4, BS2

Women's Health and Genetics/Laboratory Corporation of America, LabCorp
Classification: Likely benign. Last evaluated: 2024-12-17. Review status: criteria provided, single submitter. Criteria: LabCorp Variant Classification Summary - May 2015. Collection method: clinical testing. Allele origin: germline.
Comment: Variant summary: ADGRV1 c.10126A>G (p.Ile3376Val) results in a conservative amino acid change in the encoded protein sequence. Five of five in-silico tools predict a benign effect of the variant on protein function. The variant allele was found at a frequency of 0.00046 in 244854 control chromosomes, predominantly at a frequency of 0.0061 within the African or African-American subpopulation in the gnomAD database, including 1 homozygotes. The observed variant frequency within African or African-American control individuals in the gnomAD database exceeds the estimated maximal expected allele frequency for a pathogenic variant in ADGRV1 causing ADGRV1-Related Disorders phenotype. To our knowledge, no occurrence of c.10126A>G in individuals affected with ADGRV1-Related Disorders and no experimental evidence demonstrating its impact on protein function have been reported. ClinVar contains an entry for this variant (Variation ID: 197599). Based on the evidence outlined above, the variant was classified as likely benign.

Blueprint Genetics
Classification: Likely benign. Last evaluated: 2024-07-22. Review status: criteria provided, single submitter. Criteria: ACMG Guidelines, 2015. Collection method: clinical testing. Allele origin: germline.

Ambry Genetics
Classification: Likely benign for Inborn genetic diseases. Last evaluated: 2021-10-22. Review status: criteria provided, single submitter. Criteria: Ambry Variant Classification Scheme 2023. Collection method: clinical testing. Allele origin: germline.

GeneDx
Classification: Benign. Last evaluated: 2020-02-26. Review status: criteria provided, single submitter. Criteria: GeneDx Variant Classification Process June 2021. Collection method: clinical testing. Allele origin: germline. Affected: yes.

Laboratory for Molecular Medicine, Mass General Brigham Personalized Medicine
Classification: Benign. Last evaluated: 2017-09-28. Review status: criteria provided, single submitter. Criteria: LMM Criteria. Collection method: clinical testing. Allele origin: germline. Observed: 2 variant alleles.
Comment: p.Ile3376Val in Exon 48 of GPR98: This variant is not expected to have clinical significance because it does not alter an amino acid residue, is not located wit hin the splice consensus sequence and it has been identified in 0.6% 155/23890 o f African chromosomes, including 1 homozygous individual) by the Genome Aggregat ion Database (gnomAD; dbSNP rs200528472).

Eurofins Ntd Llc (ga)
Classification: Benign. Last evaluated: 2014-12-18. Review status: criteria provided, single submitter. Criteria: EGL Classification Definitions 2015. Collection method: clinical testing. Allele origin: germline. Observed: 1 variant allele, 1 heterozygote.

PreventionGenetics, part of Exact Sciences
Classification: Likely benign for ADGRV1-related condition. Last evaluated: 2020-06-09. Review status: no assertion criteria provided. Collection method: clinical testing. Allele origin: germline. Not counted in ClinVar's aggregate classification.
Comment: This variant is classified as likely benign based on ACMG/AMP sequence variant interpretation guidelines (Richards et al. 2015 PMID: 25741868, with internal and published modifications).